The following is an entry in ClinVar:

ClinVar aggregate classification (germline): Benign. Review status: criteria provided, multiple submitters, no conflicts (2 of 4 stars). 4 submissions from 4 submitters: Benign (4). Last evaluated 2023-04-11.

Conditions:
Maple syrup urine disease (MSUD). Identifiers: Orphanet 511, MedGen C0024776, MeSH D008375, MONDO:0009563. Disease mechanism: loss of function.

Allele frequency attached by ClinVar (database versions not stated): gnomAD 0.12973; 1000 Genomes Project 0.93391.

Submissions (5):

Genome-Nilou Lab
Classification: Benign for Maple syrup urine disease type 1A. Last evaluated: 2023-04-11. Review status: criteria provided, single submitter. Criteria: ACMG Guidelines, 2015. Collection method: clinical testing. Allele origin: germline. Affected: no.

GeneDx
Classification: Benign. Last evaluated: 2020-02-13. Review status: criteria provided, single submitter. Criteria: GeneDx Variant Classification Process June 2021. Collection method: clinical testing. Allele origin: germline. Affected: yes.

Illumina Laboratory Services, Illumina
Classification: Benign for Maple syrup urine disease type 1A. Last evaluated: 2018-01-12. Review status: criteria provided, single submitter. Criteria: ICSL Variant Classification Criteria 13 December 2019. Collection method: clinical testing. Allele origin: germline.
Comment: This variant was observed in the ICSL laboratory as part of a predisposition screen in an ostensibly healthy population. It had not been previously curated by ICSL or reported in the Human Gene Mutation Database (HGMD: prior to June 1st, 2018), and was therefore a candidate for classification through an automated scoring system. Utilizing variant allele frequency, disease prevalence and penetrance estimates, and inheritance mode, an automated score was calculated to assess if this variant is too frequent to cause the disease. Based on the score and internal cut-off values, a variant classified as benign is not then subjected to further curation. The score for this variant resulted in a classification of benign for this disease.

Breakthrough Genomics
Classification: Benign. Review status: criteria provided, single submitter. Criteria: ACMG Guidelines, 2015. Collection method: not provided. Allele origin: germline. Inheritance: Autosomal recessive inheritance. Affected: yes.

Dr. Peter K. Rogan Lab, Western University
No classification provided (evidence only). Condition: Cervical cancer. Review status: no classification provided. Collection method: in vitro. Allele origin: not applicable. Functional consequence: retained intron. Not counted in ClinVar's aggregate classification.

NM_001918.5(DBT):c.*6903T>A

Gene: DBT (dihydrolipoamide branched chain transacylase E2; minus strand). Cytogenetic location: 1p21.2.
Variant type: single nucleotide variant.
Coding change: c.*6903T>A on transcript NM_001918.5 (MANE Select); 6903 bases downstream of the stop codon, T replaced by A.
Molecular consequence: 3 prime UTR variant.
Genome position (GRCh38, 1-based): chr1:100,189,352, A>T on the plus strand (T>A on the coding strand, the complement: DBT is on the minus strand). VCF-style: chr1-100189352-A-T. GRCh37 (hg19) VCF-style: chr1-100654908-A-T.
Other names: NC_000001.10:g.100654908A>T.
Identifiers: ClinVar variation 291392 (VCV000291392.10), dbSNP rs10783125, ClinGen allele CA10607125.